The following is an entry in ClinVar:

NM_000268.4(NF2):c.305C>G (p.Pro102Arg)

Gene: NF2 (NF2, moesin-ezrin-radixin like (MERLIN) tumor suppressor; plus strand). Cytogenetic location: 22q12.2.
Variant type: single nucleotide variant.
Coding change: c.305C>G on transcript NM_000268.4 (MANE Select); coding-DNA position 305, C replaced by G.
Protein change: p.Pro102Arg; replaces proline 102 with arginine.
Molecular consequence: missense variant. On other transcripts: non-coding transcript variant (1), intron variant (3).
Genome position (GRCh38, 1-based): chr22:29,639,154, C>G. VCF-style: chr22-29639154-C-G. GRCh37 (hg19) VCF-style: chr22-30035143-C-G.
Other names: c.305C>G, p.Pro102Arg (NM_016418.5, NM_181825.3, NM_181832.3 and 1 more transcripts); c.179C>G, p.Pro60Arg (NM_181828.3); c.240+2278C>G (NM_181829.3); c.115-3048C>G (NM_181830.3, NM_181831.3); short protein forms P60R, P102R.
Identifiers: ClinVar variation 662380 (VCV000662380.9), dbSNP rs1601583679, ClinGen allele CA411153264.

ClinVar aggregate classification (germline): Uncertain significance (1 of 4 stars; one submission).

Conditions:
Neurofibromatosis, type 2 (SWNV). Also called: BILATERAL ACOUSTIC NEUROFIBROMATOSIS; SCHWANNOMATOSIS, VESTIBULAR; NF2-Related Schwannomatosis. Identifiers: Orphanet 637, MedGen C0027832, MONDO:0007039, OMIM 101000. Disease mechanism: loss of function.

Submission:

Labcorp Genetics (formerly Invitae), Labcorp
Classification: Uncertain significance for Neurofibromatosis, type 2. Last evaluated: 2018-11-08. Review status: criteria provided, single submitter. Criteria: Invitae Variant Classification Sherloc (09022015). Collection method: clinical testing. Allele origin: germline.
Comment: In summary, the available evidence is currently insufficient to determine the role of this variant in disease. Therefore, it has been classified as a Variant of Uncertain Significance. Algorithms developed to predict the effect of sequence changes on RNA splicing suggest that this variant may create or strengthen a splice site, but this prediction has not been confirmed by published transcriptional studies. Algorithms developed to predict the effect of missense changes on protein structure and function (SIFT, PolyPhen-2, Align-GVGD) all suggest that this variant is likely to be disruptive, but these predictions have not been confirmed by published functional studies and their clinical significance is uncertain. This variant has not been reported in the literature in individuals with NF2-related disease. This variant is not present in population databases (ExAC no frequency). This sequence change replaces proline with arginine at codon 102 of the NF2 protein (p.Pro102Arg). The proline residue is highly conserved and there is a moderate physicochemical difference between proline and arginine.